The following is an entry in ClinVar:

NM_001009944.3(PKD1):c.7887G>A (p.Ala2629=)

Gene: PKD1 (polycystin 1, transient receptor potential channel interacting; minus strand). Cytogenetic location: 16p13.3.
Variant type: single nucleotide variant.
Coding change: c.7887G>A on transcript NM_001009944.3 (MANE Select); coding-DNA position 7887, G replaced by A.
Protein change: p.Ala2629=; no amino-acid change (alanine 2629 retained).
Molecular consequence: synonymous variant.
Genome position (GRCh38, 1-based): chr16:2,105,451, C>T on the plus strand (G>A on the coding strand, the complement: PKD1 is on the minus strand). VCF-style: chr16-2105451-C-T. GRCh37 (hg19) VCF-style: chr16-2155452-C-T.
Other names: c.7887G>A, p.Ala2629= (NM_000296.4); c.7887G>A (NM_000296.3).
Identifiers: ClinVar variation 3054092 (VCV003054092.3), dbSNP rs201902378, ClinGen allele CA7830819.

ClinVar aggregate classification (germline): Likely benign. Review status: criteria provided, single submitter (1 of 4 stars). 2 submissions from 2 submitters: Likely benign (1). 1 of the submissions does not count toward it. Last evaluated 2023-10-30.

Conditions:
PKD1-related disorder. Also called: PKD1-related condition.

Allele frequency attached by ClinVar (database versions not stated): ExAC 0.00005; gnomAD 0.00005; TOPMed 0.00006; gnomAD exomes 0.00008.
gnomAD v4.1: 117 of 1,593,716 alleles (0.0073%); highest among the groups gnomAD compares: Non-Finnish European, 0.0093%; no homozygotes.

Submissions (2):

Athena Diagnostics
Classification: Likely benign. Last evaluated: 2023-10-30. Review status: criteria provided, single submitter. Criteria: Athena Diagnostics Criteria. Collection method: clinical testing. Allele origin: unknown.

PreventionGenetics, part of Exact Sciences
Classification: Likely benign for PKD1-related condition. Last evaluated: 2023-10-25. Review status: no assertion criteria provided. Collection method: clinical testing. Allele origin: germline. Not counted in ClinVar's aggregate classification.
Comment: This variant is classified as likely benign based on ACMG/AMP sequence variant interpretation guidelines (Richards et al. 2015 PMID: 25741868, with internal and published modifications).

Literature cited by the submitters: PubMed 11857740 (cited by Athena Diagnostics).